The following is an entry in ClinVar:

NM_000057.4(BLM):c.1055A>G (p.Glu352Gly)

Gene: BLM (BLM RecQ like helicase; plus strand). Cytogenetic location: 15q26.1.
Variant type: single nucleotide variant.
Coding change: c.1055A>G on transcript NM_000057.4 (MANE Select); coding-DNA position 1055, A replaced by G.
Protein change: p.Glu352Gly; replaces glutamic acid 352 with glycine.
Molecular consequence: missense variant. On other transcripts: 5 prime UTR variant (1).
Genome position (GRCh38, 1-based): chr15:90,754,906, A>G. VCF-style: chr15-90754906-A-G. GRCh37 (hg19) VCF-style: chr15-91298136-A-G.
Other names: c.1055A>G, p.Glu352Gly (NM_001287246.2, NM_001287247.2); c.-237A>G (NM_001287248.2); short protein forms E352G.
Identifiers: ClinVar variation 2566801 (VCV002566801.2), dbSNP rs767423456, ClinGen allele CA7738416.
Genomic context (GRCh38, chr15:90,754,906, plus strand): 5'-AGGATGTTCTTAGCACATCAAAAGATCTTTTGTCAAAACCTGAGAAAATGAGTATGCAGG[A>G]GCTGAATCCAGAAACCAGCACAGACTGTGACGGTACAAGCAATATTTTAGACATACCATG-3'
Protein context (NP_000048.1, residues 342-362): LSKPEKMSMQ[Glu352Gly]LNPETSTDCD

ClinVar aggregate classification (germline): Uncertain significance (1 of 4 stars; one submission).

Conditions:
Hereditary cancer-predisposing syndrome. Also called: Hereditary neoplastic syndrome; Hereditary Cancer Syndrome; Neoplastic Syndromes, Hereditary; Tumor predisposition. Identifiers: Orphanet 140162, MedGen C0027672, MeSH D009386, MONDO:0015356.

Allele frequency attached by ClinVar (database versions not stated): ExAC 0.00001.

Submission:

Ambry Genetics
Classification: Uncertain significance for Hereditary cancer-predisposing syndrome. Last evaluated: 2023-03-20. Review status: criteria provided, single submitter. Criteria: Ambry Variant Classification Scheme 2023. Collection method: clinical testing. Allele origin: germline.
Comment: The p.E352G variant (also known as c.1055A>G), located in coding exon 4 of the BLM gene, results from an A to G substitution at nucleotide position 1055. The glutamic acid at codon 352 is replaced by glycine, an amino acid with similar properties. This amino acid position is conserved. In addition, this alteration is predicted to be tolerated by in silico analysis. Since supporting evidence is limited at this time, the clinical significance of this alteration remains unclear.